The following is an entry in ClinVar:

NM_002303.6(LEPR):c.1286-11G>A

Gene: LEPR (leptin receptor; plus strand). Cytogenetic location: 1p31.3.
Variant type: single nucleotide variant.
Coding change: c.1286-11G>A on transcript NM_002303.6 (MANE Select); 11 bases into the intron before coding-DNA position 1286, G replaced by A.
Molecular consequence: intron variant.
Genome position (GRCh38, 1-based): chr1:65,601,832, G>A. VCF-style: chr1-65601832-G-A. GRCh37 (hg19) VCF-style: chr1-66067515-G-A.
Other names: c.1286-11G>A (NM_001003679.3, NM_001003680.3, NM_001198689.2 and 2 more transcripts).
Identifiers: ClinVar variation 2956832 (VCV002956832.4), dbSNP rs767404055, ClinGen allele CA894770.

ClinVar aggregate classification (germline): Conflicting classifications of pathogenicity. Review status: criteria provided, conflicting classifications (1 of 4 stars). 2 submissions from 2 submitters: Uncertain significance (1); Likely benign (1). Last evaluated 2025-10-27.

Allele frequency attached by ClinVar (database versions not stated): gnomAD exomes 0.00001; TOPMed 0.00009; ExAC 0.00006; gnomAD 0.00012.
gnomAD v4.1: 44 of 1,607,092 alleles (0.0027%); highest among the groups gnomAD compares: African/African-American, 0.044%; no homozygotes.

Submissions (2):

Labcorp Genetics (formerly Invitae), Labcorp
Classification: Likely benign. Last evaluated: 2025-10-27. Review status: criteria provided, single submitter. Criteria: Invitae Variant Classification Sherloc (09022015). Collection method: clinical testing. Allele origin: germline.

GeneDx
Classification: Uncertain significance. Last evaluated: 2024-11-05. Review status: criteria provided, single submitter. Criteria: GeneDx Variant Classification Process June 2021. Collection method: clinical testing. Allele origin: germline. Affected: yes.
Comment: Has not been previously published as pathogenic or benign to our knowledge; In silico analysis is inconclusive as to whether the variant alters gene splicing. In the absence of RNA/functional studies, the actual effect of this sequence change is unknown.